The following is an entry in ClinVar:

NR_199791.1(RNU2-2):n.40C>T

Genes: RNU2-2 (RNA, U2 small nuclear 2; minus strand), WDR74 (WD repeat domain 74; minus strand). Cytogenetic location: 11q12.3.
Variant type: single nucleotide variant.
Molecular consequence: non-coding transcript variant (on NR_199791.1). On other transcripts: 5 prime UTR variant (1).
Genome position: GRCh38 VCF-style: chr11-62841770-G-A. GRCh37 (hg19) VCF-style: chr11-62609242-G-A.
Other names: c.-499C>T (NM_001369451.1).
Identifiers: ClinVar variation 4540476 (VCV004540476.2).

ClinVar aggregate classification (germline): Pathogenic/Likely pathogenic. Review status: criteria provided, multiple submitters, no conflicts (2 of 4 stars). 2 submissions from 2 submitters: Pathogenic (1); Likely pathogenic (1). Last evaluated 2025-11-27.

Conditions:
RNU2-2 related disorder.
Cerebellar disorder. Also called: Cerebellar disease. Identifiers: MedGen C0007760, MONDO:0002427.

gnomAD v4.1: 8 of 152,342 alleles (0.0053%); highest among the groups gnomAD compares: South Asian, 0.021%; no homozygotes.

Submissions (2):

Institute for Human Genetics, University Hospital Essen
Classification: Pathogenic for RNU2-2 related disorder. Last evaluated: 2025-11-27. Review status: criteria provided, single submitter. Criteria: Submitter's publication. Collection method: clinical testing. Allele origin: germline. Inheritance: Autosomal unknown. Affected: yes. Observed: 5 variant alleles, 2 heterozygotes, 3 compound heterozygotes.
Comment: PS2_mod, PS4, PM1, PM2_supp, PM3, PP1 (criteria rationale detailed in Leitão et al. Nature Genetics 2026)

AURAGEN, Plan France Médecine Génomique
Classification: Likely pathogenic for Cerebellar disorder. Last evaluated: 2021-10-11. Review status: criteria provided, single submitter. Criteria: PFMG2025 (Lancet Reg Health Eur. 2025). Collection method: clinical testing. Allele origin: germline. Affected: yes.